The following is an entry in ClinVar:

ClinVar aggregate classification (somatic clinical impact): Tier I - Strong. Review status: criteria provided, single submitter (1 of 4 stars). 2 submissions from 1 submitter. Last evaluated 2025-06-23.
ClinVar aggregate classification (oncogenicity): Oncogenic (1 of 4 stars; one submission).

Conditions:
Diffuse midline glioma, H3 K27M-mutant. Identifiers: MedGen C4289688, MONDO:0957196.
Diffuse pediatric-type high-grade glioma, H3-wildtype and IDH-wildtype. Identifiers: MedGen C5669918, MONDO:0858939.
Neoplasm. Also called: Neoplasms; Neoplasm (disease); tumor. Identifiers: MedGen C0027651, MeSH D009369, MONDO:0005070, HP:0002664.

Submissions (3):

Institute for Genomic Medicine (IGM) Clinical Laboratory, Nationwide Children's Hospital
Classification: Tier I - Strong for Diffuse pediatric-type high-grade glioma, H3-wildtype and IDH-wildtype. Assertion type: diagnostic. Clinical significance: supports diagnosis. Last evaluated: 2025-06-23. Review status: criteria provided, single submitter. Criteria: AMP/ASCO/CAP Guidelines, 2017. Collection method: clinical testing. Allele origin: somatic. Affected: yes.
Comment: Variant has Tier I (strong) clinical significance as a diagnostic inclusion criterion in diffuse pediatric-type high-grade glioma, H3-wildtype and IDH-wildtype, based on the following evidence: 1) Documented in one or more cancer databases (e.g., St. Jude Pecan, COSMIC, CIViC, OncoKB). 2) Appears in one or more well-established professional guidelines (e.g., World Health Organization [WHO]; National Comprehensive Cancer Network [NCCN]) as providing diagnostic, prognostic, or therapeutic information. 3) Information in the literature supports potential biologic effect of variant (PMIDs: 22588883, 17177598). 4) Diagnostic for a specific tumor type/classification based on well-powered studies with expert-level consensus (Evidence Level B; PMIDs: 28966033, 24705251, 29763623, 28912153, 35332262, 28401334, 40063504).

Center for Genomic Medicine, Rigshospitalet, Copenhagen University Hospital
Classification: Oncogenic for Neoplasm. Last evaluated: 2025-03-04. Review status: criteria provided, single submitter. Criteria: ClinGen/CGC/VICC Guidelines for Oncogenicity, 2022. Collection method: clinical testing. Allele origin: somatic. Affected: yes.

Institute for Genomic Medicine (IGM) Clinical Laboratory, Nationwide Children's Hospital
Classification: Tier I - Strong for Diffuse midline glioma, H3 K27M-mutant. Assertion type: diagnostic. Clinical significance: supports diagnosis. Last evaluated: 2024-07-10. Review status: criteria provided, single submitter. Criteria: AMP/ASCO/CAP Guidelines, 2017. Collection method: clinical testing. Allele origin: somatic. Affected: yes.
Comment: Variant has Tier I (strong) clinical significance as a diagnostic inclusion criterion in diffuse midline glioma, H3 K27M-mutant, based on the following evidence: 1) Documented in one or more cancer databases (e.g., St. Jude Pecan, COSMIC, CIViC, OncoKB). 2) Appears in one or more well-established professional guidelines (e.g., World Health Organization [WHO]; National Comprehensive Cancer Network [NCCN]) as providing diagnostic, prognostic, or therapeutic information. 3) Information in the literature supports potential biologic effect of variant (PMIDs: 22588883, 17177598). 4) Diagnostic for a specific tumor type/classification according to professional guidelines (Evidence Level A; PMIDs: 33130881, 32303840, 28966033, 24705251, 29763623, 28912153).

Literature cited by the submitters: PubMed 22588883 (cited by Institute for Genomic Medicine (IGM) Clinical Laboratory, Nationwide Children's Hospital and Center for Genomic Medicine, Rigshospitalet, Copenhagen University Hospital); PubMed 17177598 (cited by Institute for Genomic Medicine (IGM) Clinical Laboratory, Nationwide Children's Hospital); PubMed 28966033 (cited by Institute for Genomic Medicine (IGM) Clinical Laboratory, Nationwide Children's Hospital); PubMed 24705251 (cited by Institute for Genomic Medicine (IGM) Clinical Laboratory, Nationwide Children's Hospital); PubMed 29763623 (cited by Institute for Genomic Medicine (IGM) Clinical Laboratory, Nationwide Children's Hospital); PubMed 28912153 (cited by Institute for Genomic Medicine (IGM) Clinical Laboratory, Nationwide Children's Hospital); PubMed 35332262 (cited by Institute for Genomic Medicine (IGM) Clinical Laboratory, Nationwide Children's Hospital); PubMed 28401334 (cited by Institute for Genomic Medicine (IGM) Clinical Laboratory, Nationwide Children's Hospital); PubMed 40063504 (cited by Institute for Genomic Medicine (IGM) Clinical Laboratory, Nationwide Children's Hospital); PubMed 29533785 (cited by Center for Genomic Medicine, Rigshospitalet, Copenhagen University Hospital); PubMed 33130881 (cited by Institute for Genomic Medicine (IGM) Clinical Laboratory, Nationwide Children's Hospital); PubMed 32303840 (cited by Institute for Genomic Medicine (IGM) Clinical Laboratory, Nationwide Children's Hospital).

NM_005228.5(EGFR):c.866C>A (p.Ala289Asp)

Gene: EGFR (epidermal growth factor receptor; plus strand). Cytogenetic location: 7p11.2.
Variant type: single nucleotide variant.
Coding change: c.866C>A on transcript NM_005228.5 (MANE Select); coding-DNA position 866, C replaced by A.
Protein change: p.Ala289Asp; replaces alanine 289 with aspartic acid.
Molecular consequence: missense variant. On other transcripts: intron variant (1).
Genome position (GRCh38, 1-based): chr7:55,154,129, C>A. VCF-style: chr7-55154129-C-A. GRCh37 (hg19) VCF-style: chr7-55221822-C-A.
Other names: c.731C>A, p.Ala244Asp (NM_001346897.2, NM_001346899.2); c.866C>A, p.Ala289Asp (NM_001346898.2, NM_201282.2, NM_201283.2 and 1 more transcripts); c.707C>A, p.Ala236Asp (NM_001346900.2); c.89-1701C>A (NM_001346941.2); short protein forms A289D, A236D, A244D.
Identifiers: ClinVar variation 376396 (VCV000376396.4), dbSNP rs149840192, ClinGen allele CA16602834.